The following is an entry in ClinVar:

ClinVar aggregate classification (germline): Uncertain significance. Review status: criteria provided, multiple submitters, no conflicts (2 of 4 stars). 2 submissions from 2 submitters: Uncertain significance (2). Last evaluated 2025-08-20.

Allele frequency attached by ClinVar (database versions not stated): TOPMed 0.00001; gnomAD 0.00002; gnomAD exomes 0.00005.
gnomAD v4.1: 81 of 1,568,108 alleles (0.0052%); highest among the groups gnomAD compares: Non-Finnish European, 0.0065%; no homozygotes.

Submissions (2):

Ambry Genetics
Classification: Uncertain significance. Last evaluated: 2025-08-20. Review status: criteria provided, single submitter. Criteria: Ambry Variant Classification Scheme 2023. Collection method: clinical testing. Allele origin: germline.

Labcorp Genetics (formerly Invitae), Labcorp
Classification: Uncertain significance. Last evaluated: 2024-12-04. Review status: criteria provided, single submitter. Criteria: Invitae Variant Classification Sherloc (09022015). Collection method: clinical testing. Allele origin: germline.
Comment: This sequence change replaces glutamine, which is neutral and polar, with histidine, which is basic and polar, at codon 1122 of the TOP2B protein (p.Gln1122His). The frequency data for this variant in the population databases is considered unreliable, as metrics indicate poor data quality at this position in the gnomAD database. This variant has not been reported in the literature in individuals affected with TOP2B-related conditions. ClinVar contains an entry for this variant (Variation ID: 2889181). An algorithm developed to predict the effect of missense changes on protein structure and function (PolyPhen-2) suggests that this variant is likely to be tolerated. In summary, the available evidence is currently insufficient to determine the role of this variant in disease. Therefore, it has been classified as a Variant of Uncertain Significance.

NM_001330700.2(TOP2B):c.3381G>T (p.Gln1127His)

Gene: TOP2B (DNA topoisomerase II beta; minus strand). Cytogenetic location: 3p24.2.
Variant type: single nucleotide variant.
Coding change: c.3381G>T on transcript NM_001330700.2 (MANE Select); coding-DNA position 3381, G replaced by T.
Protein change: p.Gln1127His; replaces glutamine 1127 with histidine.
Molecular consequence: missense variant.
Genome position (GRCh38, 1-based): chr3:25,615,557, C>A on the plus strand (G>T on the coding strand, the complement: TOP2B is on the minus strand). VCF-style: chr3-25615557-C-A. GRCh37 (hg19) VCF-style: chr3-25657048-C-A.
Other names: c.3366G>T (NM_001068.2); c.3366G>T, p.Gln1122His (NM_001068.3); short protein forms Q1127H, Q1122H.
Identifiers: ClinVar variation 2889181 (VCV002889181.4), dbSNP rs1489187750, ClinGen allele CA351895933.
Genomic context (GRCh38, chr3:25,615,557, plus strand): 5'-TAAAATATAATTAAAATCTGGGCCTGAAGGAGTTCCTGAATCGGAGGAACTATCATCATG[C>A]TGGTTTTGTGTTTCATCCTCTTCTGCTGCCTGTAAAAAATAACAAACTGTATATTAAAGT-3'
Protein context (NP_001317629.1, residues 1117-1137): KAAEEDETQN[Gln1127His]HDDSSSDSGT